The following is an entry in ClinVar:

NM_002335.4(LRP5):c.2317G>C (p.Gly773Arg)

Gene: LRP5 (LDL receptor related protein 5; plus strand). Cytogenetic location: 11q13.2.
Variant type: single nucleotide variant.
Coding change: c.2317G>C on transcript NM_002335.4 (MANE Select); coding-DNA position 2317, G replaced by C.
Protein change: p.Gly773Arg; replaces glycine 773 with arginine.
Molecular consequence: missense variant.
Genome position (GRCh38, 1-based): chr11:68,410,139, G>C. VCF-style: chr11-68410139-G-C. GRCh37 (hg19) VCF-style: chr11-68177607-G-C.
Other names: c.574G>C, p.Gly192Arg (NM_001291902.2); short protein forms G773R, G192R.
Identifiers: ClinVar variation 1974383 (VCV001974383.5), dbSNP rs775353605, ClinGen allele CA381616739.
Genomic context (GRCh38, chr11:68,410,139, plus strand): 5'-CAAGTCCTCGTGTGGAGGGACTTGGACAACCCGAGGTCGCTGGCCCTGGATCCCACCAAG[G>C]GGTAAGTGTTTGCCTGTCCCGTGCGTCCTTGTGTTCACCTCGTATGAGACAGTGCGGGGG-3'
Protein context (NP_002326.2, residues 763-783): PRSLALDPTK[Gly773Arg]YIYWTEWGGK

ClinVar aggregate classification (germline): Uncertain significance (1 of 4 stars; one submission).

Submission:

Labcorp Genetics (formerly Invitae), Labcorp
Classification: Uncertain significance. Last evaluated: 2022-07-04. Review status: criteria provided, single submitter. Criteria: Invitae Variant Classification Sherloc (09022015). Collection method: clinical testing. Allele origin: germline.
Comment: This variant is not present in population databases (gnomAD no frequency). In summary, the available evidence is currently insufficient to determine the role of this variant in disease. Therefore, it has been classified as a Variant of Uncertain Significance. Algorithms developed to predict the effect of missense changes on protein structure and function (SIFT, PolyPhen-2, Align-GVGD) all suggest that this variant is likely to be disruptive. This variant has not been reported in the literature in individuals affected with LRP5-related conditions. This sequence change replaces glycine, which is neutral and non-polar, with arginine, which is basic and polar, at codon 773 of the LRP5 protein (p.Gly773Arg).